The following is an entry in ClinVar:

ClinVar aggregate classification (germline): Likely benign. Review status: criteria provided, multiple submitters, no conflicts (2 of 4 stars). 5 submissions from 5 submitters: Likely benign (3). 2 of the submissions do not count toward it. Last evaluated 2025-12-31.

Conditions:
Ehlers-Danlos syndrome, classic type, 1 (EDSCL1). Also called: Ehlers-Danlos syndrome, type 1; EHLERS-DANLOS SYNDROME, GRAVIS TYPE; EHLERS-DANLOS SYNDROME, SEVERE CLASSIC TYPE; Ehlers-Danlos Syndrome, Classic Type, COL5A1-Related; EDS I. Identifiers: MedGen C0268335, MONDO:0019567, OMIM 130000.

Allele frequency attached by ClinVar (database versions not stated): TOPMed 0.00002.
gnomAD v4.1: 82 of 1,613,090 alleles (0.0051%); highest among the groups gnomAD compares: Middle Eastern, 0.033%; no homozygotes.

Submissions (5):

Labcorp Genetics (formerly Invitae), Labcorp
Classification: Likely benign for Ehlers-Danlos syndrome, classic type, 1. Last evaluated: 2025-12-31. Review status: criteria provided, single submitter. Criteria: Invitae Variant Classification Sherloc (09022015). Collection method: clinical testing. Allele origin: germline.

Blueprint Genetics
Classification: Likely benign. Last evaluated: 2024-11-08. Review status: criteria provided, single submitter. Criteria: ACMG Guidelines, 2015. Collection method: clinical testing. Allele origin: germline.

GeneDx
Classification: Likely benign. Last evaluated: 2017-11-22. Review status: criteria provided, single submitter. Criteria: GeneDx Variant Classification (06012015). Collection method: clinical testing. Allele origin: germline. Affected: yes.
Comment: This variant is considered likely benign or benign based on one or more of the following criteria: it is a conservative change, it occurs at a poorly conserved position in the protein, it is predicted to be benign by multiple in silico algorithms, and/or has population frequency not consistent with disease.

Genome Diagnostics Laboratory, Amsterdam University Medical Center
Classification: Likely benign. Review status: no assertion criteria provided. Collection method: clinical testing. Allele origin: germline. Affected: yes. Study: VKGL Data-share Consensus. Not counted in ClinVar's aggregate classification.

Genome Diagnostics Laboratory, University Medical Center Utrecht
Classification: Likely benign. Review status: no assertion criteria provided. Collection method: clinical testing. Allele origin: germline. Affected: yes. Study: VKGL Data-share Consensus. Not counted in ClinVar's aggregate classification.

NM_000093.5(COL5A1):c.1936-16C>G

Gene: COL5A1 (collagen type V alpha 1 chain; plus strand). Cytogenetic location: 9q34.3.
Variant type: single nucleotide variant.
Coding change: c.1936-16C>G on transcript NM_000093.5 (MANE Select); 16 bases into the intron before coding-DNA position 1936, C replaced by G.
Molecular consequence: intron variant.
Genome position (GRCh38, 1-based): chr9:134,761,909, C>G. VCF-style: chr9-134761909-C-G. GRCh37 (hg19) VCF-style: chr9-137653755-C-G.
Other names: c.1936-16C>G (NM_001278074.1).
Identifiers: ClinVar variation 513685 (VCV000513685.9), dbSNP rs199694949, ClinGen allele CA5319062.